The following is an entry in ClinVar:

NM_001101426.4(CRPPA):c.840A>G (p.Arg280=)

Gene: CRPPA (CDP-L-ribitol pyrophosphorylase A; minus strand). Cytogenetic location: 7p21.2.
Variant type: single nucleotide variant.
Coding change: c.840A>G on transcript NM_001101426.4 (MANE Select); coding-DNA position 840, A replaced by G.
Protein change: p.Arg280=; no amino-acid change (arginine 280 retained).
Molecular consequence: synonymous variant. On other transcripts: non-coding transcript variant (1).
Genome position (GRCh38, 1-based): chr7:16,278,222, T>C on the plus strand (A>G on the coding strand, the complement: CRPPA is on the minus strand). VCF-style: chr7-16278222-T-C. GRCh37 (hg19) VCF-style: chr7-16317847-T-C.
Other names: c.690A>G, p.Arg230= (NM_001101417.4); c.735A>G, p.Arg245= (NM_001368197.1).
Identifiers: ClinVar variation 284884 (VCV000284884.46), dbSNP rs148054819, ClinGen allele CA10604939.

ClinVar aggregate classification (germline): Conflicting classifications of pathogenicity. Review status: criteria provided, conflicting classifications (1 of 4 stars). 4 submissions from 4 submitters: Uncertain significance (1); Likely benign (3). Last evaluated 2025-10-15.

Conditions:
Autosomal recessive limb-girdle muscular dystrophy type 2U. Also called: Muscular dystrophy-dystroglycanopathy (limb-girdle), type c, 7; MUSCULAR DYSTROPHY, LIMB-GIRDLE, TYPE 2U. Identifiers: Orphanet 352479, MedGen C5190987, MONDO:0014474, OMIM 616052.
Muscular dystrophy-dystroglycanopathy (congenital with brain and eye anomalies), type A, 7. Also called: WALKER-WARBURG SYNDROME OR MUSCLE-EYE-BRAIN DISEASE, ISPD-RELATED; Congenital muscular dystrophy-dystroglycanopathy with brain and eye anomalies, type A7. Identifiers: Orphanet 899, MedGen C3553330, MONDO:0013835, OMIM 614643.

Allele frequency attached by ClinVar (database versions not stated): TOPMed below 0.00001; gnomAD 0.00001; gnomAD exomes 0.00001; 1000 Genomes Project 30x 0.00016; 1000 Genomes Project 0.00020.
gnomAD v4.1: 21 of 1,523,890 alleles (0.0014%); highest among the groups gnomAD compares: Middle Eastern, 0.053%; no homozygotes.

Submissions (4):

Labcorp Genetics (formerly Invitae), Labcorp
Classification: Likely benign for Muscular dystrophy-dystroglycanopathy (congenital with brain and eye anomalies), type A, 7; Autosomal recessive limb-girdle muscular dystrophy type 2U. Last evaluated: 2025-10-15. Review status: criteria provided, single submitter. Criteria: Invitae Variant Classification Sherloc (09022015). Collection method: clinical testing. Allele origin: germline.

CeGaT Center for Human Genetics Tuebingen
Classification: Likely benign. Last evaluated: 2024-10-01. Review status: criteria provided, single submitter. Criteria: CeGaT Center For Human Genetics Tuebingen Variant Classification Criteria Version 2. Collection method: clinical testing. Allele origin: germline. Affected: yes. Observed: 2 variant alleles.
Comment: CRPPA: BP4, BP7

Blueprint Genetics
Classification: Likely benign. Last evaluated: 2024-05-30. Review status: criteria provided, single submitter. Criteria: ACMG Guidelines, 2015. Collection method: clinical testing. Allele origin: germline.

Eurofins Ntd Llc (ga)
Classification: Uncertain significance. Last evaluated: 2017-06-13. Review status: criteria provided, single submitter. Criteria: EGL Classification Definitions 2015. Collection method: clinical testing. Allele origin: germline. Observed: 2 variant alleles, 2 heterozygotes.